The following is an entry in ClinVar:

NM_001164508.2(NEB):c.9724-1G>A

Gene: NEB (nebulin; minus strand). Cytogenetic location: 2q23.3.
Variant type: single nucleotide variant.
Coding change: c.9724-1G>A on transcript NM_001164508.2 (MANE Select); the canonical splice acceptor site of the intron before coding-DNA position 9724, G replaced by A.
Molecular consequence: splice acceptor variant.
Genome position (GRCh38, 1-based): chr2:151,629,647, C>T on the plus strand (G>A on the coding strand, the complement: NEB is on the minus strand). VCF-style: chr2-151629647-C-T. GRCh37 (hg19) VCF-style: chr2-152486161-C-T.
Other names: c.8995-1G>A (NM_004543.5); c.9724-1G>A (NM_001164507.2, NM_001271208.2).
Identifiers: ClinVar variation 552053 (VCV000552053.11), dbSNP rs1553934586, ClinGen allele CA348798509.

ClinVar aggregate classification (germline): Likely pathogenic. Review status: criteria provided, multiple submitters, no conflicts (2 of 4 stars). 3 submissions from 3 submitters: Likely pathogenic (2). 1 of the submissions does not count toward it. Last evaluated 2024-02-17.

Conditions:
Arthrogryposis multiplex congenita 6. Identifiers: MedGen C5543431, MONDO:0030281, OMIM 619334.
Nemaline myopathy 2 (NEM2). Also called: Nemaline myopathy 2, autosomal recessive. Identifiers: MedGen C1850569, MONDO:0009725, OMIM 256030.

Submissions (3):

Baylor Genetics
Classification: Likely pathogenic for Arthrogryposis multiplex congenita 6. Last evaluated: 2024-02-17. Review status: criteria provided, single submitter. Criteria: ACMG Guidelines, 2015. Collection method: clinical testing. Allele origin: unknown.

Labcorp Genetics (formerly Invitae), Labcorp
Classification: Likely pathogenic for Nemaline myopathy 2. Last evaluated: 2024-01-14. Review status: criteria provided, single submitter. Criteria: Invitae Variant Classification Sherloc (09022015). Collection method: clinical testing. Allele origin: germline.
Comment: This sequence change affects an acceptor splice site in intron 67 of the NEB gene. It is expected to disrupt RNA splicing. Variants that disrupt the donor or acceptor splice site typically lead to a loss of protein function (PMID: 16199547), and loss-of-function variants in NEB are known to be pathogenic (PMID: 25205138). This variant is not present in population databases (gnomAD no frequency). This variant has not been reported in the literature in individuals affected with NEB-related conditions. ClinVar contains an entry for this variant (Variation ID: 552053). Algorithms developed to predict the effect of sequence changes on RNA splicing suggest that this variant may disrupt the consensus splice site. In summary, the currently available evidence indicates that the variant is pathogenic, but additional data are needed to prove that conclusively. Therefore, this variant has been classified as Likely Pathogenic.

Counsyl
Classification: Likely pathogenic for Nemaline myopathy 2. Last evaluated: 2017-05-19. Review status: no assertion criteria provided. Collection method: clinical testing. Allele origin: unknown. Not counted in ClinVar's aggregate classification.

Literature cited by the submitters: PubMed 16199547 (cited by Labcorp Genetics (formerly Invitae), Labcorp); PubMed 25205138 (cited by Labcorp Genetics (formerly Invitae), Labcorp).